The following is an entry in ClinVar:

ClinVar aggregate classification (germline): Conflicting classifications of pathogenicity. Review status: criteria provided, conflicting classifications (1 of 4 stars). 2 submissions from 2 submitters: Uncertain significance (1); Likely benign (1). Last evaluated 2025-07-09.

Conditions:
Cardiovascular phenotype. Identifiers: MedGen CN230736.
Catecholaminergic polymorphic ventricular tachycardia 1. Also called: VENTRICULAR TACHYCARDIA, CATECHOLAMINERGIC POLYMORPHIC, 1, WITH OR WITHOUT ATRIAL DYSFUNCTION AND/OR DILATED CARDIOMYOPATHY; VENTRICULAR TACHYCARDIA, STRESS-INDUCED POLYMORPHIC 1; RYR2-Related Catecholaminergic Polymorphic Ventricular Tachycardia. Identifiers: Orphanet 3286, MedGen C1631597, MONDO:0011484, OMIM 604772.

Allele frequency attached by ClinVar (database versions not stated): gnomAD 0.00001 and 0.00002; ExAC 0.00002; gnomAD exomes 0.00002; TOPMed 0.00002.
gnomAD v4.1: 29 of 1,478,934 alleles (0.002%); highest among the groups gnomAD compares: Admixed American, 0.0095%; no homozygotes.

Submissions (2):

Ambry Genetics
Classification: Likely benign for Cardiovascular phenotype. Last evaluated: 2025-07-09. Review status: criteria provided, single submitter. Criteria: Ambry Variant Classification Scheme 2023. Collection method: clinical testing. Allele origin: germline.

Labcorp Genetics (formerly Invitae), Labcorp
Classification: Uncertain significance for Catecholaminergic polymorphic ventricular tachycardia 1. Last evaluated: 2022-05-31. Review status: criteria provided, single submitter. Criteria: Invitae Variant Classification Sherloc (09022015). Collection method: clinical testing. Allele origin: germline.
Comment: This sequence change replaces alanine, which is neutral and non-polar, with valine, which is neutral and non-polar, at codon 202 of the TRDN protein (p.Ala202Val). The frequency data for this variant in the population databases is considered unreliable, as metrics indicate poor data quality at this position in the gnomAD database. This variant has not been reported in the literature in individuals affected with TRDN-related conditions. ClinVar contains an entry for this variant (Variation ID: 1493665). Algorithms developed to predict the effect of missense changes on protein structure and function output the following: SIFT: "Tolerated"; PolyPhen-2: "Not Available"; Align-GVGD: "Class C0". The valine amino acid residue is found in multiple mammalian species, which suggests that this missense change does not adversely affect protein function. Algorithms developed to predict the effect of sequence changes on RNA splicing suggest that this variant may create or strengthen a splice site. In summary, the available evidence is currently insufficient to determine the role of this variant in disease. Therefore, it has been classified as a Variant of Uncertain Significance.

NM_006073.4(TRDN):c.605C>T (p.Ala202Val)

Gene: TRDN (triadin; minus strand). Cytogenetic location: 6q22.31.
Variant type: single nucleotide variant.
Coding change: c.605C>T on transcript NM_006073.4 (MANE Select); coding-DNA position 605, C replaced by T.
Protein change: p.Ala202Val; replaces alanine 202 with valine.
Molecular consequence: missense variant.
Genome position (GRCh38, 1-based): chr6:123,512,308, G>A on the plus strand (C>T on the coding strand, the complement: TRDN is on the minus strand). VCF-style: chr6-123512308-G-A. GRCh37 (hg19) VCF-style: chr6-123833453-G-A.
Other names: c.605C>T, p.Ala202Val (NM_001251987.2, NM_001256020.2, NM_001256021.2); short protein forms A202V.
Identifiers: ClinVar variation 1493665 (VCV001493665.7), dbSNP rs765653366, ClinGen allele CA3984331.